The following is an entry in ClinVar:

NM_025137.4(SPG11):c.4777del (p.Ile1593fs)

Gene: SPG11 (SPG11 vesicle trafficking associated, spatacsin; minus strand). Cytogenetic location: 15q21.1.
Variant type: Deletion.
Coding change: c.4777del on transcript NM_025137.4 (MANE Select); coding-DNA position 4777, one base deleted (A; older notation c.4777delA).
Protein change: p.Ile1593fs; shifts the reading frame from isoleucine 1593.
Molecular consequence: frameshift variant.
Genome position (GRCh38, 1-based): chr15:44,589,381, T deleted on the plus strand (A on the coding strand, the reverse complement: SPG11 is on the minus strand). VCF-style (leftmost placement, unchanged base first): chr15-44589380-AT-A. GRCh37 (hg19) VCF-style: chr15-44881578-AT-A.
Other names: c.4777del, p.Ile1593fs (NM_001160227.2); short protein forms I1593fs.
Identifiers: ClinVar variation 424590 (VCV000424590.5), dbSNP rs1064797055, ClinGen allele CA16619930.

ClinVar aggregate classification (germline): Pathogenic. Review status: criteria provided, multiple submitters, no conflicts (2 of 4 stars). 2 submissions from 2 submitters: Pathogenic (2). Last evaluated 2025-10-06.

Conditions:
Hereditary spastic paraplegia 11. Also called: Spastic Paraplegia 11; SPASTIC PARAPLEGIA, AUTOSOMAL RECESSIVE, COMPLICATED, WITH THIN CORPUS CALLOSUM; SPASTIC PARAPLEGIA, AUTOSOMAL RECESSIVE, WITH MENTAL IMPAIRMENT AND THIN CORPUS CALLOSUM; Spastic paraplegia, mental retardation and thin corpus callosum; Nakamura Osame syndrome; Autosomal recessive hereditary spastic paraplegia, mental impairment, and thin corpus callosum. Identifiers: Orphanet 2822, MedGen C1858479, MONDO:0011445, OMIM 604360.

Submissions (2):

Labcorp Genetics (formerly Invitae), Labcorp
Classification: Pathogenic for Hereditary spastic paraplegia 11. Last evaluated: 2025-10-06. Review status: criteria provided, single submitter. Criteria: Invitae Variant Classification Sherloc (09022015). Collection method: clinical testing. Allele origin: germline.
Comment: This sequence change creates a premature translational stop signal (p.Ile1593Serfs*14) in the SPG11 gene. It is expected to result in an absent or disrupted protein product. Loss-of-function variants in SPG11 are known to be pathogenic (PMID: 19105190, 20110243, 22154821, 26556829). This variant is not present in population databases (gnomAD no frequency). This premature translational stop signal has been observed in individual(s) with dystonia (PMID: 30363882). ClinVar contains an entry for this variant (Variation ID: 424590). For these reasons, this variant has been classified as Pathogenic.

GeneDx
Classification: Pathogenic. Last evaluated: 2017-12-06. Review status: criteria provided, single submitter. Criteria: GeneDx Variant Classification (06012015). Collection method: clinical testing. Allele origin: germline. Affected: yes.
Comment: The c.4777delA pathogenic variant in the SPG11 gene has not been reported previously as a pathogenic variant, nor as a benign variant, to our knowledge. The c.4777delA variant causes a frameshift starting with codon Isoleucine 1593, changes this amino acid to a Serine residue, and creates a premature Stop codon at position 14 of the new reading frame, denoted p.Ile1593SerfsX14. This variant is predicted to cause loss of normal protein function either through protein truncation or nonsense-mediated mRNA decay. The c.4777delA variant is not observed in large population cohorts (Lek et al., 2016; 1000 Genomes Consortium et al., 2015; Exome Variant Server). We interpret c.4777delA as a pathogenic variant.

Literature cited by the submitters: PubMed 19105190 (cited by Labcorp Genetics (formerly Invitae), Labcorp); PubMed 20110243 (cited by Labcorp Genetics (formerly Invitae), Labcorp); PubMed 22154821 (cited by Labcorp Genetics (formerly Invitae), Labcorp); PubMed 26556829 (cited by Labcorp Genetics (formerly Invitae), Labcorp); PubMed 30363882 (cited by Labcorp Genetics (formerly Invitae), Labcorp).